The following is an entry in ClinVar:

NM_006514.4(SCN10A):c.5252T>C (p.Phe1751Ser)

Gene: SCN10A (sodium voltage-gated channel alpha subunit 10; minus strand). Cytogenetic location: 3p22.2.
Variant type: single nucleotide variant.
Coding change: c.5252T>C on transcript NM_006514.4 (MANE Select); coding-DNA position 5252, T replaced by C.
Protein change: p.Phe1751Ser; replaces phenylalanine 1751 with serine.
Molecular consequence: missense variant.
Genome position (GRCh38, 1-based): chr3:38,697,968, A>G on the plus strand (T>C on the coding strand, the complement: SCN10A is on the minus strand). VCF-style: chr3-38697968-A-G. GRCh37 (hg19) VCF-style: chr3-38739459-A-G.
Other names: c.5249T>C, p.Phe1750Ser (NM_001293306.2); c.4958T>C, p.Phe1653Ser (NM_001293307.2); short protein forms F1653S, F1750S, F1751S.
Identifiers: ClinVar variation 4614892 (VCV004614892.1).
Genomic context (GRCh38, chr3:38,697,968, plus strand): 5'-AGAGTGTCTGCAAAGTCCGAGAGAGCAGAAAAGGTAATAAACTGAGTGGCCTCTGGGTCA[A>G]ACTTCTCCCAGGTCTCATAGAACATGTCAAAGTCGTCCTCACTCAGGGGCTCAGTGCTCT-3'
Protein context (NP_006505.4, residues 1741-1761): FDMFYETWEK[Phe1751Ser]DPEATQFITF

ClinVar aggregate classification (germline): Uncertain significance (1 of 4 stars; one submission).

Conditions:
Cardiovascular phenotype. Identifiers: MedGen CN230736.

gnomAD v4.1: 3 of 1,614,142 alleles (0.00019%); highest among the groups gnomAD compares: Non-Finnish European, 0.00025%; no homozygotes.

Submission:

Ambry Genetics
Classification: Uncertain significance for Cardiovascular phenotype. Last evaluated: 2025-11-16. Review status: criteria provided, single submitter. Criteria: Ambry Variant Classification Scheme 2023. Collection method: clinical testing. Allele origin: germline.
Comment: The p.F1751S variant (also known as c.5252T>C), located in coding exon 27 of the SCN10A gene, results from a T to C substitution at nucleotide position 5252. The phenylalanine at codon 1751 is replaced by serine, an amino acid with highly dissimilar properties. This amino acid position is conserved. In addition, this alteration is predicted to be deleterious by in silico analysis. Based on the available evidence, the clinical significance of this variant remains unclear.